The following is an entry in ClinVar:

NM_022114.4(PRDM16):c.388C>G (p.Gln130Glu)

Gene: PRDM16 (PR/SET domain 16; plus strand). Cytogenetic location: 1p36.32.
Variant type: single nucleotide variant.
Coding change: c.388C>G on transcript NM_022114.4 (MANE Select); coding-DNA position 388, C replaced by G.
Protein change: p.Gln130Glu; replaces glutamine 130 with glutamic acid.
Molecular consequence: missense variant.
Genome position (GRCh38, 1-based): chr1:3,244,087, C>G. VCF-style: chr1-3244087-C-G. GRCh37 (hg19) VCF-style: chr1-3160651-C-G.
Other names: c.388C>G, p.Gln130Glu (NM_199454.3); short protein forms Q130E.
Identifiers: ClinVar variation 864138 (VCV000864138.9), dbSNP rs898082337, ClinGen allele CA17302423.

ClinVar aggregate classification (germline): Uncertain significance. Review status: criteria provided, multiple submitters, no conflicts (2 of 4 stars). 3 submissions from 3 submitters: Uncertain significance (3). Last evaluated 2025-04-08.

Conditions:
Left ventricular noncompaction 8 (LVNC8). Identifiers: Orphanet 154, Orphanet 54260, MedGen C3809288, MONDO:0014152, OMIM 615373.
Inborn genetic diseases. Identifiers: MedGen C0950123, MeSH D030342.

Allele frequency attached by ClinVar (database versions not stated): TOPMed 0.00004; gnomAD 0.00003; gnomAD exomes 0.00002.
gnomAD v4.1: 36 of 1,613,814 alleles (0.0022%); highest among the groups gnomAD compares: African/African-American, 0.0067%; no homozygotes.

Submissions (3):

GeneDx
Classification: Uncertain significance. Last evaluated: 2025-04-08. Review status: criteria provided, single submitter. Criteria: GeneDx Variant Classification Process June 2021. Collection method: clinical testing. Allele origin: germline. Affected: yes.
Comment: Has not been previously published as pathogenic or benign to our knowledge; In silico analysis indicates that this missense variant does not alter protein structure/function

Ambry Genetics
Classification: Uncertain significance for Inborn genetic diseases. Last evaluated: 2024-01-23. Review status: criteria provided, single submitter. Criteria: Ambry Variant Classification Scheme 2023. Collection method: clinical testing. Allele origin: germline.

Labcorp Genetics (formerly Invitae), Labcorp
Classification: Uncertain significance for Left ventricular noncompaction 8. Last evaluated: 2021-11-26. Review status: criteria provided, single submitter. Criteria: Invitae Variant Classification Sherloc (09022015). Collection method: clinical testing. Allele origin: germline.
Comment: This variant has not been reported in the literature in individuals affected with PRDM16-related conditions. This variant is present in population databases (no rsID available, gnomAD 0.04%). This sequence change replaces glutamine, which is neutral and polar, with glutamic acid, which is acidic and polar, at codon 130 of the PRDM16 protein (p.Gln130Glu). ClinVar contains an entry for this variant (Variation ID: 864138). In summary, the available evidence is currently insufficient to determine the role of this variant in disease. Therefore, it has been classified as a Variant of Uncertain Significance. Algorithms developed to predict the effect of missense changes on protein structure and function are either unavailable or do not agree on the potential impact of this missense change (SIFT: "Deleterious"; PolyPhen-2: "Benign"; Align-GVGD: "Class C0").